The following is an entry in ClinVar:

NM_000404.4(GLB1):c.850A>G (p.Ile284Val)

Gene: GLB1 (galactosidase beta 1; minus strand). Cytogenetic location: 3p22.3.
Variant type: single nucleotide variant.
Coding change: c.850A>G on transcript NM_000404.4 (MANE Select); coding-DNA position 850, A replaced by G.
Protein change: p.Ile284Val; replaces isoleucine 284 with valine.
Molecular consequence: missense variant.
Genome position (GRCh38, 1-based): chr3:33,051,947, T>C on the plus strand (A>G on the coding strand, the complement: GLB1 is on the minus strand). VCF-style: chr3-33051947-T-C. GRCh37 (hg19) VCF-style: chr3-33093439-T-C.
Other names: c.760A>G, p.Ile254Val (NM_001079811.3); c.457A>G, p.Ile153Val (NM_001135602.3); c.994A>G, p.Ile332Val (NM_001317040.2); c.850A>G, p.Ile284Val (NM_001393580.1); short protein forms I284V, I332V, I254V, I153V.
Identifiers: ClinVar variation 1421788 (VCV001421788.5), dbSNP rs746547573, ClinGen allele CA2299579.

ClinVar aggregate classification (germline): Uncertain significance (1 of 4 stars; one submission).

Conditions:
GM1 gangliosidosis. Identifiers: Orphanet 354, MedGen C0085131, MONDO:0018149.
Mucopolysaccharidosis, MPS-IV-B (MPS4B). Also called: MORQUIO SYNDROME B; Mucopolysaccharidosis Type IVB (Morquio B Disease); Mucopolysaccharidosis type 4B; Mucopolysaccharidosis type IVB (Morquio); MPS IVB; Mucopolysaccharidosis type IV B. Identifiers: Orphanet 309310, Orphanet 582, MedGen C0086652, MONDO:0009660, OMIM 253010.

Allele frequency attached by ClinVar (database versions not stated): gnomAD exomes below 0.00001 and 0.00001; gnomAD 0.00001; TOPMed 0.00001; ExAC 0.00002.
gnomAD v4.1: 6 of 1,614,056 alleles (0.00037%); highest among the groups gnomAD compares: East Asian, 0.0045%; no homozygotes.

Submission:

Labcorp Genetics (formerly Invitae), Labcorp
Classification: Uncertain significance for Mucopolysaccharidosis, MPS-IV-B; GM1 gangliosidosis. Last evaluated: 2022-06-13. Review status: criteria provided, single submitter. Criteria: Invitae Variant Classification Sherloc (09022015). Collection method: clinical testing. Allele origin: germline.
Comment: This sequence change replaces isoleucine, which is neutral and non-polar, with valine, which is neutral and non-polar, at codon 284 of the GLB1 protein (p.Ile284Val). This variant is present in population databases (rs746547573, gnomAD 0.005%). This variant has not been reported in the literature in individuals affected with GLB1-related conditions. Advanced modeling of protein sequence and biophysical properties (such as structural, functional, and spatial information, amino acid conservation, physicochemical variation, residue mobility, and thermodynamic stability) performed at Invitae indicates that this missense variant is not expected to disrupt GLB1 protein function. Algorithms developed to predict the effect of sequence changes on RNA splicing suggest that this variant may create or strengthen a splice site. In summary, the available evidence is currently insufficient to determine the role of this variant in disease. Therefore, it has been classified as a Variant of Uncertain Significance.